The following is an entry in ClinVar:

ClinVar aggregate classification (germline): Pathogenic. Review status: criteria provided, multiple submitters, no conflicts (2 of 4 stars). 2 submissions from 2 submitters: Pathogenic (2). Last evaluated 2026-04-14.

Conditions:
Familial intrahepatic cholestasis. Identifiers: Orphanet 284385, MedGen CN296401, MONDO:0017290.

Submissions (2):

Genomenon, Inc
Classification: Pathogenic for Familial intrahepatic cholestasis. Last evaluated: 2026-04-14. Review status: criteria provided, single submitter. Criteria: Genomenon Sequence Variant Interpretation Standards - Updated. Collection method: curation. Allele origin: germline. Affected: yes.
Comment: ATP8B1 p.Gln1131Ter (c.3391C>T) is a nonsense variant that introduces a premature stop codon at amino acid position 1131, creating a truncated protein that is predicted to undergo nonsense-mediated mRNA decay. This variant has been observed in at least one proband with features of ATP8B1-deficiency (PMID:40851490). It is absent or not present at a significant frequency in gnomAD. In conclusion, we classify ATP8B1 p.Gln1131Ter (c.3391C>T) as a pathogenic variant.

Labcorp Genetics (formerly Invitae), Labcorp
Classification: Pathogenic. Last evaluated: 2023-12-26. Review status: criteria provided, single submitter. Criteria: Invitae Variant Classification Sherloc (09022015). Collection method: clinical testing. Allele origin: germline.
Comment: This sequence change creates a premature translational stop signal (p.Gln1131*) in the ATP8B1 gene. It is expected to result in an absent or disrupted protein product. Loss-of-function variants in ATP8B1 are known to be pathogenic (PMID: 15239083, 22525741). This variant is not present in population databases (gnomAD no frequency). This premature translational stop signal has been observed in individual(s) with chronic intrahepatic cholestasis (PMID: 11815775). Algorithms developed to predict the effect of sequence changes on RNA splicing suggest that this variant may disrupt the consensus splice site. For these reasons, this variant has been classified as Pathogenic.

Literature cited by the submitters: PubMed 40851490 (cited by Genomenon, Inc); PubMed 15239083 (cited by Labcorp Genetics (formerly Invitae), Labcorp); PubMed 22525741 (cited by Labcorp Genetics (formerly Invitae), Labcorp); PubMed 11815775 (cited by Labcorp Genetics (formerly Invitae), Labcorp).

NM_001374385.1(ATP8B1):c.3391C>T (p.Gln1131Ter)

Genes: ATP8B1-AS1 (ATP8B1 antisense RNA 1; plus strand), ATP8B1 (ATPase phospholipid transporting 8B1; minus strand). Cytogenetic location: 18q21.31.
Variant type: single nucleotide variant.
Coding change: c.3391C>T on transcript NM_001374385.1 (MANE Select); coding-DNA position 3391, C replaced by T.
Protein change: p.Gln1131Ter; replaces glutamine 1131 with a stop codon.
Molecular consequence: nonsense.
Genome position (GRCh38, 1-based): chr18:57,652,043, G>A on the plus strand (C>T on the coding strand, the complement: ATP8B1 is on the minus strand). VCF-style: chr18-57652043-G-A. GRCh37 (hg19) VCF-style: chr18-55319275-G-A.
Other names: c.3241C>T, p.Gln1081Ter (NM_001374386.1); c.3391C>T, p.Gln1131Ter (NM_005603.6); short protein forms Q1081*, Q1131*.
Identifiers: ClinVar variation 2736741 (VCV002736741.4), dbSNP rs2511616619, ClinGen allele CA402541779.
Genomic context (GRCh38, chr18:57,652,043, plus strand): 5'-AACTAATGACATTTGTCTGTACATTTATTTTTGGAATTTGGAAATACCAACCTGTAAATT[G>A]AAATGCAGATGGAAAGAGAACATGTATTCCAGCACTATGAAAGTCAAACATGATGCCAAA-3'